The following is an entry in ClinVar:

NM_002691.4(POLD1):c.2454_2455del (p.Asp819fs)

Gene: POLD1 (DNA polymerase delta 1, catalytic subunit; plus strand). Cytogenetic location: 19q13.33.
Variant type: Deletion.
Coding change: c.2454_2455del on transcript NM_002691.4 (MANE Select); coding-DNA positions 2454 to 2455, 2 bases deleted (CG; older notation c.2454_2455delCG).
Protein change: p.Asp819fs; shifts the reading frame from aspartic acid 819.
Molecular consequence: frameshift variant. On other transcripts: non-coding transcript variant (1).
Genome position (GRCh38, 1-based): chr19:50,414,880-50,414,881, CG deleted. VCF-style (leftmost placement, unchanged base first): chr19-50414879-CCG-C. GRCh37 (hg19) VCF-style: chr19-50918136-CCG-C.
Other names: c.2454_2455del, p.Asp819fs (NM_001256849.1); c.2532_2533del, p.Asp845fs (NM_001308632.1); short protein forms D819fs, D845fs.
Identifiers: ClinVar variation 954903 (VCV000954903.9), dbSNP rs2039217374, ClinGen allele CA1139666564.

ClinVar aggregate classification (germline): Uncertain significance (1 of 4 stars; one submission).

Conditions:
POLD1-related polyposis and colorectal cancer syndrome (CRCS10). Also called: Colorectal cancer 10; COLORECTAL CANCER, SUSCEPTIBILITY TO, ON CHROMOSOME 19q; Colorectal cancer, susceptibility to, 10. Identifiers: Orphanet 220460, MedGen C2675481, MONDO:0012953, OMIM 612591.

Submission:

Labcorp Genetics (formerly Invitae), Labcorp
Classification: Uncertain significance for POLD1-related polyposis and colorectal cancer syndrome. Last evaluated: 2021-04-29. Review status: criteria provided, single submitter. Criteria: Invitae Variant Classification Sherloc (09022015). Collection method: clinical testing. Allele origin: germline.
Comment: Missense variants that disrupt the 3'-5' exonuclease (proof-reading) activity of the POLD1 protein, while not abolishing its polymerase enzyme activity, are associated with an increased risk for colonic adenomatous polyps and colon cancer (PMID: 23263490, 23447401). Loss-of-function truncating variants, which result in an absent or severely disrupted POLD1 protein, are therefore unlikely to be associated with disease. Without further clinical and genetic evidence, however, this variant has been classified as a Variant of Uncertain Significance. This variant has not been reported in the literature in individuals with POLD1-related conditions. This variant is not present in population databases (ExAC no frequency). This sequence change creates a premature translational stop signal (p.Asp819Argfs*39) in the POLD1 gene. It is expected to result in an absent or disrupted protein product.

Literature cited by the submitters: PubMed 23263490; PubMed 23447401.